The following is an entry in ClinVar:

NM_000057.4(BLM):c.1658T>C (p.Ile553Thr)

Gene: BLM (BLM RecQ like helicase; plus strand). Cytogenetic location: 15q26.1.
Variant type: single nucleotide variant.
Coding change: c.1658T>C on transcript NM_000057.4 (MANE Select); coding-DNA position 1658, T replaced by C.
Protein change: p.Ile553Thr; replaces isoleucine 553 with threonine.
Molecular consequence: missense variant.
Genome position (GRCh38, 1-based): chr15:90,761,031, T>C. VCF-style: chr15-90761031-T-C. GRCh37 (hg19) VCF-style: chr15-91304261-T-C.
Other names: c.1658T>C, p.Ile553Thr (NM_001287246.2, NM_001287247.2); c.533T>C, p.Ile178Thr (NM_001287248.2); short protein forms I178T, I553T.
Identifiers: ClinVar variation 4700442 (VCV004700442.1).

ClinVar aggregate classification (germline): Uncertain significance (1 of 4 stars; one submission).

Conditions:
Bloom syndrome (BLM). Also called: Bloom-Torre-Machacek syndrome. Identifiers: Orphanet 125, MedGen C0005859, MONDO:0008876, OMIM 210900.

Submission:

Labcorp Genetics (formerly Invitae), Labcorp
Classification: Uncertain significance for Bloom syndrome. Last evaluated: 2025-03-27. Review status: criteria provided, single submitter. Criteria: Invitae Variant Classification Sherloc (09022015). Collection method: clinical testing. Allele origin: germline.
Comment: This sequence change replaces isoleucine, which is neutral and non-polar, with threonine, which is neutral and polar, at codon 553 of the BLM protein (p.Ile553Thr). This variant is not present in population databases (gnomAD no frequency). This variant has not been reported in the literature in individuals affected with BLM-related conditions. Invitae Evidence Modeling of protein sequence and biophysical properties (such as structural, functional, and spatial information, amino acid conservation, physicochemical variation, residue mobility, and thermodynamic stability) indicates that this missense variant is not expected to disrupt BLM protein function with a negative predictive value of 80%. In summary, the available evidence is currently insufficient to determine the role of this variant in disease. Therefore, it has been classified as a Variant of Uncertain Significance.